The following is an entry in ClinVar:

NM_000051.4(ATM):c.4994AAG[1] (p.Glu1666del)

Gene: ATM (ATM serine/threonine kinase; plus strand). Cytogenetic location: 11q22.3.
Variant type: Microsatellite.
Coding change: c.4994AAG[1] on transcript NM_000051.4 (MANE Select); one copy of the 3-base unit AAG starting at c.4994; the reference has two copies in a row; one copy, 3 bases deleted.
Protein change: p.Glu1666del; deletes glutamic acid 1666.
Molecular consequence: inframe deletion.
Genome position (GRCh38, 1-based): chr11:108,297,374-108,297,376, AAG deleted; deleting any 3 consecutive bases within chr11:108,297,371-108,297,376 gives the same sequence; the position shown is the placement nearest the transcript's 3' end. VCF-style (leftmost placement, unchanged base first): chr11-108297370-AAAG-A. GRCh37 (hg19) VCF-style: chr11-108168097-AAAG-A.
Other names: c.4997_4999delAAG (NM_000051.3); c.4994AAG[1], p.Glu1666del (NM_001351834.2); short protein forms E1666del.
Identifiers: ClinVar variation 234198 (VCV000234198.8), dbSNP rs876660918, ClinGen allele CA10579169.
Genomic context (GRCh38, chr11:108,297,370, plus strand): 5'-GTGAAACTAGTTGTCAATTTGTTGCAGTTATCCAAGATGGCAATAAACCACACTGGTGAA[AAAG>A]AAGTTCTAGGTAAACTACAGTCATGCGCTGCGTGACATTTCAGTCAACTGCGGATCACAT-3'

ClinVar aggregate classification (germline): Uncertain significance. Review status: criteria provided, multiple submitters, no conflicts (2 of 4 stars). 2 submissions from 2 submitters: Uncertain significance (2). Last evaluated 2024-09-10.

Conditions:
Hereditary cancer-predisposing syndrome. Also called: Tumor predisposition; Hereditary Cancer Syndrome; Hereditary neoplastic syndrome; Neoplastic Syndromes, Hereditary. Identifiers: Orphanet 140162, MedGen C0027672, MeSH D009386, MONDO:0015356.
Ataxia-telangiectasia syndrome (AT). Also called: Ataxia telangiectasia (A-T); LOUIS-BAR SYNDROME; Cerebello-oculocutaneous telangiectasia; Immunodeficiency with ataxia telangiectasia; ATAXIA-TELANGIECTASIA, COMPLEMENTATION GROUP A; ATAXIA-TELANGIECTASIA, FRESNO VARIANT. Identifiers: Orphanet 100, MedGen C0004135, MONDO:0008840, OMIM 208900.

Submissions (2):

Labcorp Genetics (formerly Invitae), Labcorp
Classification: Uncertain significance for Ataxia-telangiectasia syndrome. Last evaluated: 2024-09-10. Review status: criteria provided, single submitter. Criteria: Invitae Variant Classification Sherloc (09022015). Collection method: clinical testing. Allele origin: germline.
Comment: This variant, c.4997_4999del, results in the deletion of 1 amino acid(s) of the ATM protein (p.Glu1666del), but otherwise preserves the integrity of the reading frame. This variant is not present in population databases (gnomAD no frequency). This variant has not been reported in the literature in individuals affected with ATM-related conditions. ClinVar contains an entry for this variant (Variation ID: 234198). Experimental studies and prediction algorithms are not available or were not evaluated, and the functional significance of this variant is currently unknown. Algorithms developed to predict the effect of sequence changes on RNA splicing suggest that this variant may disrupt the consensus splice site. In summary, the available evidence is currently insufficient to determine the role of this variant in disease. Therefore, it has been classified as a Variant of Uncertain Significance.

Ambry Genetics
Classification: Uncertain significance for Hereditary cancer-predisposing syndrome. Last evaluated: 2023-08-22. Review status: criteria provided, single submitter. Criteria: Ambry Variant Classification Scheme 2023. Collection method: clinical testing. Allele origin: germline.
Comment: The c.4997_4999delAAG variant (also known as p.E1666del) is located in coding exon 32 of the ATM gene. This variant results from an in-frame AAG deletion at nucleotide positions 4997 to 4999. This results in the in-frame deletion of a glutamic acid at codon 1666. This amino acid position is well conserved in available vertebrate species. In addition, the in silico prediction for this alteration is inconclusive (Choi Y et al. PLoS ONE. 2012; 7(10):e46688). Since supporting evidence is limited at this time, the clinical significance of this alteration remains unclear.